The following is an entry in ClinVar:

ClinVar aggregate classification (germline): Conflicting classifications of pathogenicity. Review status: criteria provided, conflicting classifications (1 of 4 stars). 2 submissions from 2 submitters: Pathogenic (1); Uncertain significance (1). Last evaluated 2024-05-01.

Conditions:
Hyperuricemia, pulmonary hypertension, renal failure, alkalosis syndrome (HUPRAS). Also called: HYPERURICEMIA, PULMONARY HYPERTENSION, RENAL FAILURE, AND ALKALOSIS SYNDROME; HUPRA SYNDROME. Identifiers: Orphanet 363694, MedGen C3151209, MONDO:0013458, OMIM 613845.

Allele frequency attached by ClinVar (database versions not stated): gnomAD exomes below 0.00001 and 0.00001; ExAC 0.00001; gnomAD 0.00001; TOPMed 0.00001; ESP Exome Variant Server 0.00008.
gnomAD v4.1: 8 of 1,613,678 alleles (0.0005%); highest among the groups gnomAD compares: Non-Finnish European, 0.00068%; no homozygotes.

Submissions (2):

Fulgent Genetics
Classification: Uncertain significance for Hyperuricemia, pulmonary hypertension, renal failure, alkalosis syndrome. Last evaluated: 2024-05-01. Review status: criteria provided, single submitter. Criteria: ACMG Guidelines, 2015. Collection method: clinical testing. Allele origin: germline.

GeneDx
Classification: Pathogenic. Last evaluated: 2023-07-20. Review status: criteria provided, single submitter. Criteria: GeneDx Variant Classification Process June 2021. Collection method: clinical testing. Allele origin: germline. Affected: yes.
Comment: Nonsense variant predicted to result in protein truncation or nonsense mediated decay in a gene for which loss of function is a known mechanism of disease; Not observed at significant frequency in large population cohorts (gnomAD); Has not been previously published as pathogenic or benign to our knowledge

NM_017827.4(SARS2):c.30G>A (p.Trp10Ter)

Genes: SARS2 (seryl-tRNA synthetase 2, mitochondrial; minus strand), LOC130064387 (ATAC-STARR-seq lymphoblastoid active region 14604; plus strand). Cytogenetic location: 19q13.2.
Variant type: single nucleotide variant.
Coding change: c.30G>A on transcript NM_017827.4 (MANE Select); coding-DNA position 30, G replaced by A.
Protein change: p.Trp10Ter; replaces tryptophan 10 with a stop codon.
Molecular consequence: nonsense.
Genome position (GRCh38, 1-based): chr19:38,930,707, C>T on the plus strand (G>A on the coding strand, the complement: SARS2 is on the minus strand). VCF-style: chr19-38930707-C-T. GRCh37 (hg19) VCF-style: chr19-39421347-C-T.
Other names: p.W10*:TGG>TGA; c.30G>A, p.Trp10Ter (NM_001145901.2); short protein forms W10*.
Identifiers: ClinVar variation 215114 (VCV000215114.6), dbSNP rs145754412, ClinGen allele CA322799.